The following is an entry in ClinVar:

NM_000384.3(APOB):c.9154A>T (p.Asn3052Tyr)

Gene: APOB (apolipoprotein B; minus strand). Cytogenetic location: 2p24.1.
Variant type: single nucleotide variant.
Coding change: c.9154A>T on transcript NM_000384.3 (MANE Select); coding-DNA position 9154, A replaced by T.
Protein change: p.Asn3052Tyr; replaces asparagine 3052 with tyrosine.
Molecular consequence: missense variant.
Genome position (GRCh38, 1-based): chr2:21,007,714, T>A on the plus strand (A>T on the coding strand, the complement: APOB is on the minus strand). VCF-style: chr2-21007714-T-A. GRCh37 (hg19) VCF-style: chr2-21230586-T-A.
Other names: short protein forms N3052Y.
Identifiers: ClinVar variation 1709583 (VCV001709583.2), dbSNP rs2465363956, ClinGen allele CA345990930.

ClinVar aggregate classification (germline): Uncertain significance (1 of 4 stars; one submission).

Conditions:
Hypercholesterolemia, autosomal dominant, type B (FHCL2). Also called: Hyperlipoproteinemia Type IIb; Familial Hypercholesterolemia Type B; Familial hypercholesterolemia 2; APOLIPOPROTEIN B-100, FAMILIAL DEFECTIVE; APOLIPOPROTEIN B-100, FAMILIAL LIGAND-DEFECTIVE; HYPERCHOLESTEROLEMIA, FAMILIAL, DUE TO LIGAND-DEFECTIVE APOLIPOPROTEIN B. Identifiers: MedGen C1704417, MONDO:0007751, OMIM 144010.

Submission:

MGZ Medical Genetics Center
Classification: Uncertain significance for Hypercholesterolemia, autosomal dominant, type B. Last evaluated: 2022-06-27. Review status: criteria provided, single submitter. Criteria: ACMG Guidelines, 2015. Collection method: clinical testing. Allele origin: germline. Affected: yes. Observed: 1 variant allele.
Comment: ACMG criteria applied: PM2_SUP